The following is an entry in ClinVar:

NM_001113378.2(FANCI):c.511C>A (p.Gln171Lys)

Gene: FANCI (FA complementation group I; plus strand). Cytogenetic location: 15q26.1.
Variant type: single nucleotide variant.
Coding change: c.511C>A on transcript NM_001113378.2 (MANE Select); coding-DNA position 511, C replaced by A.
Protein change: p.Gln171Lys; replaces glutamine 171 with lysine.
Molecular consequence: missense variant.
Genome position (GRCh38, 1-based): chr15:89,263,426, C>A. VCF-style: chr15-89263426-C-A. GRCh37 (hg19) VCF-style: chr15-89806657-C-A.
Other names: c.232C>A, p.Gln78Lys (NM_001376910.1); c.511C>A, p.Gln171Lys (NM_001376911.1, NM_018193.3); short protein forms Q171K, Q78K.
Identifiers: ClinVar variation 4885877 (VCV004885877.2).

ClinVar aggregate classification (germline): Uncertain significance (1 of 4 stars; one submission).

gnomAD v4.1: 1 of 1,612,390 alleles (0.000062%); highest among the groups gnomAD compares: Non-Finnish European, 0.000085%; no homozygotes.

Submission:

Dasa
Classification: Uncertain significance. Last evaluated: 2025-05-25. Review status: criteria provided, single submitter. Criteria: DASA Assertion Criteria. Collection method: clinical testing. Allele origin: germline.
Comment: NM_001113378.2(FANCI):c.511C>A (p.Gln171Lys) is a missense variant that results in the substitution of glutamine with lysine. This variant is rare in population databases. Computational prediction algorithms are consistent with a benign effect. The currently available literature and clinical evidence are not sufficient to establish a definitive association between this variant and the reported condition. Therefore, this variant is classified as a variant of uncertain significance.